The following is an entry in ClinVar:

ClinVar aggregate classification (germline): Benign. Review status: criteria provided, multiple submitters, no conflicts (2 of 4 stars). 3 submissions from 3 submitters: Benign (2). 1 of the submissions does not count toward it. Last evaluated 2019-12-31.

Allele frequency attached by ClinVar (database versions not stated): gnomAD 0.00701; ESP Exome Variant Server 0.00801; TOPMed 0.00808; 1000 Genomes Project 0.01038; 1000 Genomes Project 30x 0.01140.
gnomAD v4.1: 2,127 of 1,613,834 alleles (0.13%); highest among the groups gnomAD compares: African/African-American, 2.6%; 30 homozygotes.

Submissions (3):

Labcorp Genetics (formerly Invitae), Labcorp
Classification: Benign. Last evaluated: 2019-12-31. Review status: criteria provided, single submitter. Criteria: Invitae Variant Classification Sherloc (09022015). Collection method: clinical testing. Allele origin: germline.

Breakthrough Genomics
Classification: Benign. Review status: criteria provided, single submitter. Criteria: ACMG Guidelines, 2015. Collection method: not provided. Allele origin: germline. Inheritance: Unknown mechanism. Affected: yes.

Genetic Services Laboratory, University of Chicago
Classification: Likely benign for AllHighlyPenetrant. Review status: no assertion criteria provided. Collection method: clinical testing. Allele origin: germline. Inheritance: Autosomal dominant inheritance. Not counted in ClinVar's aggregate classification.
Comment: Likely benign based on allele frequency in 1000 Genomes Project or ESP global frequency and its presence in a patient with a rare or unrelated disease phenotype. NOT Sanger confirmed.

NM_014832.5(TBC1D4):c.2050C>G (p.Arg684Gly)

Gene: TBC1D4 (TBC1 domain family member 4; minus strand). Cytogenetic location: 13q22.2.
Variant type: single nucleotide variant.
Coding change: c.2050C>G on transcript NM_014832.5 (MANE Select); coding-DNA position 2050, C replaced by G.
Protein change: p.Arg684Gly; replaces arginine 684 with glycine.
Molecular consequence: missense variant. On other transcripts: intron variant (1).
Genome position (GRCh38, 1-based): chr13:75,324,385, G>C on the plus strand (C>G on the coding strand, the complement: TBC1D4 is on the minus strand). VCF-style: chr13-75324385-G-C. GRCh37 (hg19) VCF-style: chr13-75898521-G-C.
Other names: c.2050C>G, p.Arg684Gly (NM_001286658.2); c.2033+1812C>G (NM_001286659.2); short protein forms R684G.
Identifiers: ClinVar variation 130546 (VCV000130546.11), dbSNP rs61736969, ClinGen allele CA214710.